The following is an entry in ClinVar:

ClinVar aggregate classification (germline): Likely pathogenic (1 of 4 stars; one submission).

Submission:

Labcorp Genetics (formerly Invitae), Labcorp
Classification: Likely pathogenic. Last evaluated: 2021-02-28. Review status: criteria provided, single submitter. Criteria: Invitae Variant Classification Sherloc (09022015). Collection method: clinical testing. Allele origin: germline.
Comment: This sequence change affects an acceptor splice site in intron 3 of the CYP11B2 gene. It is expected to disrupt RNA splicing. Variants that disrupt the donor or acceptor splice site typically lead to a loss of protein function (PMID: 16199547), and loss-of-function variants in CYP11B2 are known to be pathogenic (PMID: 20494601, 22801770, 26936515). This variant is not present in population databases (ExAC no frequency). This variant has not been reported in the literature in individuals with CYP11B2-related conditions. Algorithms developed to predict the effect of sequence changes on RNA splicing suggest that this variant may disrupt the consensus splice site, but this prediction has not been confirmed by published transcriptional studies. In summary, the currently available evidence indicates that the variant is pathogenic, but additional data are needed to prove that conclusively. Therefore, this variant has been classified as Likely Pathogenic.

Literature cited by the submitters: PubMed 16199547; PubMed 20494601; PubMed 22801770; PubMed 26936515.

NM_000498.3(CYP11B2):c.596-2A>G

Genes: CYP11B2 (cytochrome P450 family 11 subfamily B member 2; minus strand), LOC106799834 (CYP11B2 recombination region; plus strand). Cytogenetic location: 8q24.3.
Variant type: single nucleotide variant.
Coding change: c.596-2A>G on transcript NM_000498.3 (MANE Select); the canonical splice acceptor site of the intron before coding-DNA position 596, A replaced by G.
Molecular consequence: splice acceptor variant.
Genome position (GRCh38, 1-based): chr8:142,914,910, T>C on the plus strand (A>G on the coding strand, the complement: CYP11B2 is on the minus strand). VCF-style: chr8-142914910-T-C. GRCh37 (hg19) VCF-style: chr8-143996326-T-C.
Identifiers: ClinVar variation 1522276 (VCV001522276.8), dbSNP rs2130330223, ClinGen allele CA372389761.